The following is an entry in ClinVar:

ClinVar aggregate classification (germline): Likely benign. Review status: criteria provided, multiple submitters, no conflicts (2 of 4 stars). 4 submissions from 4 submitters: Likely benign (4). Last evaluated 2024-08-30.

Conditions:
Cardiovascular phenotype. Identifiers: MedGen CN230736.
Cardiomyopathy (CMYO). Also called: Cardiomyopathies. Identifiers: Orphanet 167848, MedGen C0878544, MONDO:0004994, HP:0001638. Inheritance: Various modes of inheritance.
Familial isolated arrhythmogenic right ventricular dysplasia. Identifiers: Orphanet 217656, MedGen C4274968, MONDO:0016342.
Arrhythmogenic right ventricular dysplasia 11. Also called: ARRHYTHMOGENIC RIGHT VENTRICULAR DYSPLASIA, FAMILIAL, 11; Arrhythmogenic Right Ventricular Dysplasia/Cardiomyopathy11; Arrhythmogenic right ventricular dysplasia 11 with mild palmoplantar keratoderma and woolly hair. Identifiers: MedGen C1864850, MONDO:0012506, OMIM 610476.

Allele frequency attached by ClinVar (database versions not stated): TOPMed below 0.00001; gnomAD exomes below 0.00001; gnomAD 0.00001.
gnomAD v4.1: 2 of 1,613,936 alleles (0.00012%); highest among the groups gnomAD compares: Admixed American, 0.0017%; no homozygotes.

Submissions (4):

All of Us Research Program, National Institutes of Health
Classification: Likely benign for Familial isolated arrhythmogenic right ventricular dysplasia. Last evaluated: 2024-08-30. Review status: criteria provided, single submitter. Criteria: ACMG Guidelines, 2015. Collection method: clinical testing. Allele origin: germline. Inheritance: Autosomal dominant inheritance. Observed: 1 variant allele, 1 heterozygote.
Comment: This study involves interpretation of variants in research participants for the purpose of population health screening. Participant phenotype was not available at the time of variant classification. Additional details can be found in publication PMID: 35346344, PMCID: PMC8962531

Labcorp Genetics (formerly Invitae), Labcorp
Classification: Likely benign for Arrhythmogenic right ventricular dysplasia 11. Last evaluated: 2024-02-19. Review status: criteria provided, single submitter. Criteria: Invitae Variant Classification Sherloc (09022015). Collection method: clinical testing. Allele origin: germline.

Ambry Genetics
Classification: Likely benign for Cardiovascular phenotype. Last evaluated: 2021-09-21. Review status: criteria provided, single submitter. Criteria: Ambry Variant Classification Scheme 2023. Collection method: clinical testing. Allele origin: germline.

Color Diagnostics, LLC DBA Color Health
Classification: Likely benign for Cardiomyopathy. Last evaluated: 2019-08-26. Review status: criteria provided, single submitter. Criteria: ACMG Guidelines, 2015. Collection method: clinical testing. Allele origin: germline.

NM_024422.6(DSC2):c.2394G>A (p.Arg798=)

Gene: DSC2 (desmocollin 2; minus strand). Cytogenetic location: 18q12.1.
Variant type: single nucleotide variant.
Coding change: c.2394G>A on transcript NM_024422.6 (MANE Select); coding-DNA position 2394, G replaced by A.
Protein change: p.Arg798=; no amino-acid change (arginine 798 retained).
Molecular consequence: synonymous variant.
Genome position (GRCh38, 1-based): chr18:31,069,008, C>T on the plus strand (G>A on the coding strand, the complement: DSC2 is on the minus strand). VCF-style: chr18-31069008-C-T. GRCh37 (hg19) VCF-style: chr18-28648974-C-T.
Other names: c.2394G>A, p.Arg798= (NM_004949.5).
Identifiers: ClinVar variation 925244 (VCV000925244.8), dbSNP rs1986729754, ClinGen allele CA503384605.